The following is an entry in ClinVar:

NM_054027.6(ANKH):c.1165G>A (p.Gly389Arg)

Genes: ANKH (ANKH inorganic pyrophosphate transport regulator; minus strand), OTULIN (OTU deubiquitinase with linear linkage specificity; plus strand), LOC100130744 (uncharacterized LOC100130744; plus strand). Cytogenetic location: 5p15.2.
Variant type: single nucleotide variant.
Coding change: c.1165G>A on transcript NM_054027.6 (MANE Select); coding-DNA position 1165, G replaced by A.
Protein change: p.Gly389Arg; replaces glycine 389 with arginine.
Molecular consequence: missense variant. On other transcripts: non-coding transcript variant (1).
Genome position (GRCh38, 1-based): chr5:14,713,644, C>T on the plus strand (G>A on the coding strand, the complement: ANKH is on the minus strand). VCF-style: chr5-14713644-C-T. GRCh37 (hg19) VCF-style: chr5-14713753-C-T.
Other names: c.1165G>A (NM_054027.4); short protein forms G389R.
Identifiers: ClinVar variation 5192 (VCV000005192.3), dbSNP rs28939080, ClinGen allele CA130551.

ClinVar aggregate classification (germline): Likely pathogenic. Review status: criteria provided, single submitter (1 of 4 stars). 3 submissions from 2 submitters: Likely pathogenic (1). 2 of the submissions do not count toward it. Last evaluated 2026-01-13.

Conditions:
Craniometaphyseal dysplasia, autosomal dominant (CMDD). Identifiers: Orphanet 1522, MedGen C1852502, MONDO:0007397, OMIM 123000.
Chondrocalcinosis 2. Also called: CALCIUM GOUT; CALCIUM PYROPHOSPHATE ARTHROPATHY; Familial calcium pyrophosphate deposition. Identifiers: Orphanet 1416, MedGen C0856830, MONDO:0007319, OMIM 118600.

gnomAD v4.1: 1 of 1,614,110 alleles (0.000062%); highest among the groups gnomAD compares: South Asian, 0.0011%; no homozygotes.

Submissions (3):

GeneDx
Classification: Likely pathogenic. Last evaluated: 2026-01-13. Review status: criteria provided, single submitter. Criteria: GeneDx Variant Classification Process June 2021. Collection method: clinical testing. Allele origin: germline.
Comment: Not observed at significant frequency in large population cohorts (gnomAD); In silico analysis suggests this variant may impact gene splicing. In the absence of RNA/functional studies, the actual effect of this sequence change is unknown.; This variant is associated with the following publications: (PMID: 19449425, 17186460, 32366894, 11326272, 39033325, Tolmacheva2023[Case Report], 2712793)

OMIM
Classification: Pathogenic for CRANIOMETAPHYSEAL DYSPLASIA, AUTOSOMAL DOMINANT. Last evaluated: 2009-06-01. Review status: no assertion criteria provided. Collection method: literature only. Allele origin: germline. Not counted in ClinVar's aggregate classification.

OMIM
Classification: Pathogenic for CHONDROCALCINOSIS 2. Last evaluated: 2009-06-01. Review status: no assertion criteria provided. Collection method: literature only. Allele origin: germline. Not counted in ClinVar's aggregate classification.

Literature cited by the submitters: PubMed 2712793 (cited by OMIM); PubMed 11326272 (cited by OMIM); PubMed 19449425 (cited by OMIM).